The following is an entry in ClinVar:

ClinVar aggregate classification (germline): Likely pathogenic (1 of 4 stars; one submission).

Submission:

GeneDx
Classification: Likely pathogenic. Last evaluated: 2024-06-13. Review status: criteria provided, single submitter. Criteria: GeneDx Variant Classification Process June 2021. Collection method: clinical testing. Allele origin: germline. Affected: yes.
Comment: De novo variant in one patient from a large cohort of individuals with autism; however, this patient was also reported to have de novo variants in other genes (PMID: 35982159); Frameshift variant predicted to result in protein truncation or nonsense mediated decay in a gene for which loss of function is a known mechanism of disease; Not observed at significant frequency in large population cohorts (gnomAD); This variant is associated with the following publications: (PMID: 35982159)

NM_006035.4(CDC42BPB):c.1456_1459del (p.Glu486fs)

Gene: CDC42BPB (CDC42 binding protein kinase beta; minus strand). Cytogenetic location: 14q32.32.
Variant type: Deletion.
Coding change: c.1456_1459del on transcript NM_006035.4 (MANE Select); coding-DNA positions 1456 to 1459, 4 bases deleted (GAAA; older notation c.1456_1459delGAAA).
Protein change: p.Glu486fs; shifts the reading frame from glutamic acid 486.
Molecular consequence: frameshift variant.
Genome position (GRCh38, 1-based): chr14:102,975,732-102,975,735, TTTC deleted on the plus strand (GAAA on the coding strand, the reverse complement: CDC42BPB is on the minus strand); deleting any 4 consecutive bases within chr14:102,975,732-102,975,738 gives the same sequence; the c. name uses the placement nearest the transcript's 3' end. VCF-style (leftmost placement, unchanged base first): chr14-102975731-ATTTC-A. GRCh37 (hg19) VCF-style: chr14-103442068-ATTTC-A.
Other names: c.1456_1459del, p.Glu486fs (NM_001411054.1); short protein forms E486fs.
Identifiers: ClinVar variation 3391659 (VCV003391659.1).
Genomic context (GRCh38, chr14:102,975,731, plus strand): 5'-TTTAAACACATACCTGCTATTTTATTCTTCAAGCGTTCGATTTCTTCATTTAGCTTTTTG[ATTTC>A]TTTATCTCGGTTTGAATTGCTGAGGGCCCGAGATGAGCCGTGGAGGGACTGCACGGTCTG-3'